The following is an entry in ClinVar:

ClinVar aggregate classification (germline): Uncertain significance (1 of 4 stars; one submission).

Conditions:
Inborn genetic diseases. Identifiers: MedGen C0950123, MeSH D030342.

gnomAD v4.1: 1 of 1,613,812 alleles (0.000062%); highest among the groups gnomAD compares: African/African-American, 0.0013%; no homozygotes.

Submission:

Ambry Genetics
Classification: Uncertain significance for Inborn genetic diseases. Last evaluated: 2026-06-13. Review status: criteria provided, single submitter. Criteria: Ambry Variant Classification Scheme 2023. Collection method: clinical testing. Allele origin: germline.
Comment: The p.Q780P variant (also known as c.2339A>C), located in coding exon 21 of the ANKRD26 gene, results from an A to C substitution at nucleotide position 2339. The glutamine at codon 780 is replaced by proline, an amino acid with similar properties. This amino acid position is conserved. In addition, this alteration is predicted to be tolerated by in silico analysis. Based on the available evidence, the clinical significance of this variant remains unclear.

NM_014915.3(ANKRD26):c.2339A>C (p.Gln780Pro)

Gene: ANKRD26 (ankyrin repeat domain 26; minus strand). Cytogenetic location: 10p12.1.
Variant type: single nucleotide variant.
Coding change: c.2339A>C on transcript NM_014915.3 (MANE Select); coding-DNA position 2339, A replaced by C.
Protein change: p.Gln780Pro; replaces glutamine 780 with proline.
Molecular consequence: missense variant.
Genome position (GRCh38, 1-based): chr10:27,040,001, T>G on the plus strand (A>C on the coding strand, the complement: ANKRD26 is on the minus strand). VCF-style: chr10-27040001-T-G. GRCh37 (hg19) VCF-style: chr10-27328930-T-G.
Other names: c.2336A>C, p.Gln779Pro (NM_001256053.2); short protein forms Q779P, Q780P.
Identifiers: ClinVar variation 4860064 (VCV004860064.1).